The following is an entry in ClinVar:

NM_012144.4(DNAI1):c.814C>G (p.Gln272Glu)

Gene: DNAI1 (dynein axonemal intermediate chain 1; plus strand). Cytogenetic location: 9p13.3.
Variant type: single nucleotide variant.
Coding change: c.814C>G on transcript NM_012144.4 (MANE Select); coding-DNA position 814, C replaced by G.
Protein change: p.Gln272Glu; replaces glutamine 272 with glutamic acid.
Molecular consequence: missense variant.
Genome position (GRCh38, 1-based): chr9:34,493,326, C>G. VCF-style: chr9-34493326-C-G. GRCh37 (hg19) VCF-style: chr9-34493324-C-G.
Other names: c.826C>G, p.Gln276Glu (NM_001281428.2); short protein forms Q272E, Q276E.
Identifiers: ClinVar variation 3226203 (VCV003226203.1), dbSNP rs1267340723, ClinGen allele CA373249490.
Genomic context (GRCh38, chr9:34,493,326, plus strand): 5'-ACCCCAGTGGCTAAAAAATCAGGGAAGATGGCCATGAGGAAGCTGACATCTATGGAGTCT[C>G]AGGTTTGGTGTTAGTTCCTACAGCTCTGCCACAGAATTTCTGAATGAGGCCTTGGCCTCT-3'
Protein context (NP_036276.1, residues 262-282): AMRKLTSMES[Gln272Glu]TDDLIKLSQA

ClinVar aggregate classification (germline): Uncertain significance (1 of 4 stars; one submission).

Conditions:
Primary ciliary dyskinesia. Also called: Ciliary dyskinesia. Identifiers: Orphanet 244, MedGen C0008780, MONDO:0016575, HP:0012265.

gnomAD v4.1: 3 of 1,614,050 alleles (0.00019%); highest among the groups gnomAD compares: Non-Finnish European, 0.00025%; no homozygotes.

Submission:

Ambry Genetics
Classification: Uncertain significance for Primary ciliary dyskinesia. Last evaluated: 2024-02-10. Review status: criteria provided, single submitter. Criteria: Ambry Variant Classification Scheme 2023. Collection method: clinical testing. Allele origin: germline.
Comment: The p.Q272E variant (also known as c.814C>G), located in coding exon 9 of the DNAI1 gene, results from a C to G substitution at nucleotide position 814. The glutamine at codon 272 is replaced by glutamic acid, an amino acid with highly similar properties. This amino acid position is conserved. In addition, this alteration is predicted to be tolerated by in silico analysis. Based on the available evidence, the clinical significance of this alteration remains unclear.